The following is an entry in ClinVar:

NM_000419.5(ITGA2B):c.1618C>T (p.Gln540Ter)

Gene: ITGA2B (integrin subunit alpha 2b; minus strand). Cytogenetic location: 17q21.31.
Variant type: single nucleotide variant.
Coding change: c.1618C>T on transcript NM_000419.5 (MANE Select); coding-DNA position 1618, C replaced by T.
Protein change: p.Gln540Ter; replaces glutamine 540 with a stop codon.
Molecular consequence: nonsense.
Genome position (GRCh38, 1-based): chr17:44,380,136, G>A on the plus strand (C>T on the coding strand, the complement: ITGA2B is on the minus strand). VCF-style: chr17-44380136-G-A. GRCh37 (hg19) VCF-style: chr17-42457504-G-A.
Other names: short protein forms Q540*.
Identifiers: ClinVar variation 953031 (VCV000953031.3), dbSNP rs1344768030, ClinGen allele CA399802411.

ClinVar aggregate classification (germline): Pathogenic (3 of 4 stars; one submission).

Conditions:
Glanzmann thrombasthenia. Also called: BLEEDING DISORDER, PLATELET-TYPE, 2; THROMBASTHENIA OF GLANZMANN AND NAEGELI; PLATELET GLYCOPROTEIN IIb-IIIa DEFICIENCY; Glanzmann's thrombasthenia; Thrombasthenia. Identifiers: Orphanet 849, MedGen C0040015, MONDO:0100326.

Submission:

ClinGen Platelet Disorders Variant Curation Expert Panel, ClinGen
Classification: Pathogenic for Glanzmann thrombasthenia. Last evaluated: 2020-09-06. Review status: reviewed by expert panel. Criteria: ClinGen Platelet ACMG Specifications v2. Collection method: curation. Allele origin: germline. Inheritance: Autosomal recessive inheritance.
Comment: The NM_000419.5:c.1618C>T variant results in premature termination of translation at Gln540 in exon 17/30. The resulting transcript is predicted to undergo NMD. The variant is absent from gnomAD v2.1.1 and v3 (PM2 threshold of <0.0001). The variant is reported in one compound heterozygous GT patient along with the splice site variant, c.1440-13_1440-1del (PMID: 25728920). In summary, based on the evidence available at this time, the variant is classified as pathogenic. GT-specific criteria applied: PVS1, PM2_Supporting, PM3_Supporting, PP4_Strong.

Literature cited by the submitters: PubMed 25728920.